The following is an entry in ClinVar:

NM_001211.6(BUB1B):c.821T>A (p.Val274Asp)

Gene: BUB1B (BUB1 mitotic checkpoint serine/threonine kinase B; plus strand). Cytogenetic location: 15q15.1.
Variant type: single nucleotide variant.
Coding change: c.821T>A on transcript NM_001211.6 (MANE Select); coding-DNA position 821, T replaced by A.
Protein change: p.Val274Asp; replaces valine 274 with aspartic acid.
Molecular consequence: missense variant.
Genome position (GRCh38, 1-based): chr15:40,185,234, T>A. VCF-style: chr15-40185234-T-A. GRCh37 (hg19) VCF-style: chr15-40477435-T-A.
Other names: short protein forms V274D.
Identifiers: ClinVar variation 3993728 (VCV003993728.1).

ClinVar aggregate classification (germline): Uncertain significance (1 of 4 stars; one submission).

Conditions:
Inborn genetic diseases. Identifiers: MedGen C0950123, MeSH D030342.

Submission:

Ambry Genetics
Classification: Uncertain significance for Inborn genetic diseases. Last evaluated: 2025-05-19. Review status: criteria provided, single submitter. Criteria: Ambry Variant Classification Scheme 2023. Collection method: clinical testing. Allele origin: germline.
Comment: The p.V274D variant (also known as c.821T>A), located in coding exon 7 of the BUB1B gene, results from a T to A substitution at nucleotide position 821. The valine at codon 274 is replaced by aspartic acid, an amino acid with highly dissimilar properties. This amino acid position is conserved. In addition, this alteration is predicted to be tolerated by in silico analysis. Based on the available evidence, the clinical significance of this variant remains unclear.